The following is an entry in ClinVar:

NM_032119.4(ADGRV1):c.17582A>T (p.Gln5861Leu)

Gene: ADGRV1 (adhesion G protein-coupled receptor V1; plus strand). Cytogenetic location: 5q14.3.
Variant type: single nucleotide variant.
Coding change: c.17582A>T on transcript NM_032119.4 (MANE Select); coding-DNA position 17582, A replaced by T.
Protein change: p.Gln5861Leu; replaces glutamine 5861 with leucine.
Molecular consequence: missense variant. On other transcripts: non-coding transcript variant (1).
Genome position (GRCh38, 1-based): chr5:90,854,189, A>T. VCF-style: chr5-90854189-A-T. GRCh37 (hg19) VCF-style: chr5-90150006-A-T.
Other names: short protein forms Q5861L.
Identifiers: ClinVar variation 1320524 (VCV001320524.2), dbSNP rs2150410312, ClinGen allele CA360430702.

ClinVar aggregate classification (germline): Uncertain significance (1 of 4 stars; one submission).

Submission:

GeneDx
Classification: Uncertain significance. Last evaluated: 2019-07-18. Review status: criteria provided, single submitter. Criteria: GeneDx Variant Classification Process June 2021. Collection method: clinical testing. Allele origin: germline. Affected: yes.
Comment: Not observed in large population cohorts (Lek et al., 2016); In silico analysis, which includes protein predictors and evolutionary conservation, supports a deleterious effect; Has not been previously published as pathogenic or benign to our knowledge